The following is an entry in ClinVar:

NM_006623.4(PHGDH):c.226G>T (p.Ala76Ser)

Gene: PHGDH (phosphoglycerate dehydrogenase; plus strand). Cytogenetic location: 1p12.
Variant type: single nucleotide variant.
Coding change: c.226G>T on transcript NM_006623.4 (MANE Select); coding-DNA position 226, G replaced by T.
Protein change: p.Ala76Ser; replaces alanine 76 with serine.
Molecular consequence: missense variant.
Genome position (GRCh38, 1-based): chr1:119,721,257, G>T. VCF-style: chr1-119721257-G-T. GRCh37 (hg19) VCF-style: chr1-120263880-G-T.
Other names: c.226G>T (NM_006623.3); short protein forms A76S.
Identifiers: ClinVar variation 1431386 (VCV001431386.12), dbSNP rs200509653, ClinGen allele CA1036969.

ClinVar aggregate classification (germline): Uncertain significance. Review status: criteria provided, multiple submitters, no conflicts (2 of 4 stars). 4 submissions from 4 submitters: Uncertain significance (4). Last evaluated 2025-03-01.

Conditions:
PHGDH deficiency. Identifiers: Orphanet 79351, MedGen C1866174, MONDO:0011152, OMIM 601815.
Neu-Laxova syndrome 1 (NLS1). Identifiers: Orphanet 2671, Orphanet 583607, MedGen C4551478, MONDO:0009736, OMIM 256520. Disease mechanism: loss of function.
Inborn genetic diseases. Identifiers: MedGen C0950123, MeSH D030342.

Allele frequency attached by ClinVar (database versions not stated): gnomAD 0.00003 and 0.00004; gnomAD exomes 0.00003 and 0.00010; TOPMed 0.00008; ExAC 0.00010; 1000 Genomes Project 0.00020; 1000 Genomes Project 30x 0.00031.
gnomAD v4.1: 43 of 1,614,204 alleles (0.0027%); highest among the groups gnomAD compares: East Asian, 0.091%; no homozygotes.

Submissions (4):

CeGaT Center for Human Genetics Tuebingen
Classification: Uncertain significance. Last evaluated: 2025-03-01. Review status: criteria provided, single submitter. Criteria: CeGaT Center For Human Genetics Tuebingen Variant Classification Criteria Version 2. Collection method: clinical testing. Allele origin: germline. Affected: yes. Observed: 1 variant allele.
Comment: PHGDH: PM2:Supporting

Ambry Genetics
Classification: Uncertain significance for Inborn genetic diseases. Last evaluated: 2025-01-29. Review status: criteria provided, single submitter. Criteria: Ambry Variant Classification Scheme 2023. Collection method: clinical testing. Allele origin: germline.

Labcorp Genetics (formerly Invitae), Labcorp
Classification: Uncertain significance for PHGDH deficiency. Last evaluated: 2022-08-23. Review status: criteria provided, single submitter. Criteria: Invitae Variant Classification Sherloc (09022015). Collection method: clinical testing. Allele origin: germline.
Comment: This sequence change replaces alanine, which is neutral and non-polar, with serine, which is neutral and polar, at codon 76 of the PHGDH protein (p.Ala76Ser). The frequency data for this variant in the population databases is considered unreliable, as metrics indicate poor data quality at this position in the gnomAD database. This variant has not been reported in the literature in individuals affected with PHGDH-related conditions. ClinVar contains an entry for this variant (Variation ID: 1431386). Algorithms developed to predict the effect of missense changes on protein structure and function are either unavailable or do not agree on the potential impact of this missense change (SIFT: "Tolerated"; PolyPhen-2: "Probably Damaging"; Align-GVGD: "Class C0"). Algorithms developed to predict the effect of sequence changes on RNA splicing suggest that this variant may create or strengthen a splice site. In summary, the available evidence is currently insufficient to determine the role of this variant in disease. Therefore, it has been classified as a Variant of Uncertain Significance.

Juno Genomics, Hangzhou Juno Genomics, Inc
Classification: Uncertain significance for Neu-Laxova syndrome 1; PHGDH deficiency. Review status: criteria provided, single submitter. Criteria: ACMG Guidelines, 2015. Collection method: clinical testing. Allele origin: germline.
Comment: Absent from controls (or at extremely low frequency if recessive) in Genome Aggregation Database.;Multiple lines of computational evidence support a deleterious effect on the gene or gene product.